The following is an entry in ClinVar:

NM_000352.6(ABCC8):c.3329+7G>A

Gene: ABCC8 (ATP binding cassette subfamily C member 8; minus strand). Cytogenetic location: 11p15.1.
Variant type: single nucleotide variant.
Coding change: c.3329+7G>A on transcript NM_000352.6 (MANE Select); 7 bases into the intron after coding-DNA position 3329, G replaced by A.
Molecular consequence: intron variant.
Genome position (GRCh38, 1-based): chr11:17,406,615, C>T on the plus strand (G>A on the coding strand, the complement: ABCC8 is on the minus strand). VCF-style: chr11-17406615-C-T. GRCh37 (hg19) VCF-style: chr11-17428162-C-T.
Other names: c.3326+7G>A (NM_001351297.2); c.3329+7G>A (NM_001351296.2); c.3395+7G>A (NM_001351295.2); c.3332+7G>A (NM_001287174.3).
Identifiers: ClinVar variation 990391 (VCV000990391.11), dbSNP rs776313489, ClinGen allele CA5902867.

ClinVar aggregate classification (germline): Conflicting classifications of pathogenicity. Review status: criteria provided, conflicting classifications (1 of 4 stars). 5 submissions from 4 submitters: Uncertain significance (2); Likely benign (2). 1 of the submissions does not count toward it. Last evaluated 2025-12-28.

Conditions:
Maturity-onset diabetes of the young (MODY). Also called: Maturity onset diabetes mellitus in young. Identifiers: Orphanet 552, MedGen C0342276, MONDO:0018911, HP:0004904.
Hereditary hyperinsulinism.
Transitory neonatal diabetes mellitus. Also called: Transient neonatal diabetes mellitus. Identifiers: MedGen C0342273, MONDO:0020525, HP:0008255.

Allele frequency attached by ClinVar (database versions not stated): gnomAD exomes 0.00005 and 0.00006; TOPMed 0.00005; gnomAD 0.00006 and 0.00007; ExAC 0.00008.
gnomAD v4.1: 78 of 1,611,922 alleles (0.0048%); highest among the groups gnomAD compares: Middle Eastern, 0.017%; 1 homozygote.

Submissions (5):

Labcorp Genetics (formerly Invitae), Labcorp
Classification: Likely benign. Last evaluated: 2025-12-28. Review status: criteria provided, single submitter. Criteria: Invitae Variant Classification Sherloc (09022015). Collection method: clinical testing. Allele origin: germline.

Blueprint Genetics
Classification: Likely benign. Last evaluated: 2024-10-16. Review status: criteria provided, single submitter. Criteria: ACMG Guidelines, 2015. Collection method: clinical testing. Allele origin: germline.

Clinical Genomics, Uppaluri K&H Personalized Medicine Clinic
Classification: Uncertain significance for Maturity-onset diabetes of the young. Review status: criteria provided, single submitter. Criteria: K & H Uppaluri Personalized Medicine Clinic Variant Classification & Assertion Criteria_Updated V.1. Collection method: research. Allele origin: somatic. Inheritance: Somatic mutation.
Comment: Mutations in ABCC8 gene are associated with both neonatal diabetes mellitus as well as MODY. Patients with this mutation may have a better response to sulfonylureas. However, no sufficient evidence is found to ascertain the role of this particular variant (rs776313489) in MODY yet.

Clinical Genomics, Uppaluri K&H Personalized Medicine Clinic
Classification: Uncertain significance for Transitory neonatal diabetes mellitus. Review status: criteria provided, single submitter. Criteria: K & H Uppaluri Personalized Medicine Clinic Variant Classification & Assertion Criteria_Updated V.1. Collection method: research. Allele origin: somatic. Inheritance: Somatic mutation.
Comment: Mutations in ABCC8 gene are associated with both neonatal diabetes mellitus as well as MODY. Patients with this mutation may have a better response to sulfonylureas. However, no sufficient evidence is found to ascertain the role of this particular variant (rs776313489) in neonatal diabetes yet.

Natera, Inc.
Classification: Uncertain significance for Hereditary hyperinsulinism. Last evaluated: 2020-04-21. Review status: no assertion criteria provided. Collection method: clinical testing. Allele origin: germline. Not counted in ClinVar's aggregate classification.

Literature cited by the submitters: PubMed 16885549 (cited by Clinical Genomics, Uppaluri K&H Personalized Medicine Clinic); PubMed 21989597 (cited by Clinical Genomics, Uppaluri K&H Personalized Medicine Clinic); PubMed 27538677 (cited by Clinical Genomics, Uppaluri K&H Personalized Medicine Clinic); PubMed 18981553 (cited by Clinical Genomics, Uppaluri K&H Personalized Medicine Clinic); PubMed 32027066 (cited by Clinical Genomics, Uppaluri K&H Personalized Medicine Clinic); PubMed 16613899 (cited by Clinical Genomics, Uppaluri K&H Personalized Medicine Clinic); PubMed 18025408 (cited by Clinical Genomics, Uppaluri K&H Personalized Medicine Clinic); PubMed 32792356 (cited by Clinical Genomics, Uppaluri K&H Personalized Medicine Clinic).